The following is an entry in ClinVar:

NM_002693.3(POLG):c.-3A>T

Genes: POLG (DNA polymerase gamma, catalytic subunit; minus strand), POLGARF (POLG alternative reading frame; minus strand). Cytogenetic location: 15q26.1.
Variant type: single nucleotide variant.
Coding change: c.-3A>T on transcript NM_002693.3 (MANE Select); 3 bases upstream of the start codon, A replaced by T.
Molecular consequence: 5 prime UTR variant. On other transcripts: missense variant (1).
Genome position (GRCh38, 1-based): chr15:89,333,757, T>A on the plus strand (A>T on the coding strand, the complement: POLG is on the minus strand). VCF-style: chr15-89333757-T-A. GRCh37 (hg19) VCF-style: chr15-89876988-T-A.
Other names: c.53A>T, p.Asn18Ile (NM_001430120.1); c.-3A>T (NM_001126131.2); short protein forms N18I.
Identifiers: ClinVar variation 3364739 (VCV003364739.1).

ClinVar aggregate classification (germline): Uncertain significance (1 of 4 stars; one submission).

Submission:

GeneDx
Classification: Uncertain significance. Last evaluated: 2023-11-22. Review status: criteria provided, single submitter. Criteria: GeneDx Variant Classification Process June 2021. Collection method: clinical testing. Allele origin: germline. Affected: yes.
Comment: Has not been previously published as pathogenic or benign to our knowledge; Not observed at significant frequency in large population cohorts (gnomAD); Nucleotide is not conserved across species and the substitution has no predicted effect on splicing